The following is an entry in ClinVar:

NM_022124.6(CDH23):c.3427C>T (p.His1143Tyr)

Genes: C10orf105 (chromosome 10 open reading frame 105; minus strand), CDH23 (cadherin related 23; plus strand). Cytogenetic location: 10q22.1.
Variant type: single nucleotide variant.
Coding change: c.3427C>T on transcript NM_022124.6 (MANE Select); coding-DNA position 3427, C replaced by T.
Protein change: p.His1143Tyr; replaces histidine 1143 with tyrosine.
Molecular consequence: missense variant. On other transcripts: intron variant (1).
Genome position (GRCh38, 1-based): chr10:71,724,102, C>T. VCF-style: chr10-71724102-C-T. GRCh37 (hg19) VCF-style: chr10-73483859-C-T.
Other names: c.-5-7760G>A (NM_001168390.2); c.3427C>T, p.His1143Tyr (NM_001171930.2); short protein forms H1143Y.
Identifiers: ClinVar variation 2107838 (VCV002107838.4), dbSNP rs1589374960, ClinGen allele CA377151423.

ClinVar aggregate classification (germline): Uncertain significance (1 of 4 stars; one submission).

Submission:

Labcorp Genetics (formerly Invitae), Labcorp
Classification: Uncertain significance. Last evaluated: 2022-05-29. Review status: criteria provided, single submitter. Criteria: Invitae Variant Classification Sherloc (09022015). Collection method: clinical testing. Allele origin: germline.
Comment: This sequence change replaces histidine, which is basic and polar, with tyrosine, which is neutral and polar, at codon 1143 of the CDH23 protein (p.His1143Tyr). This variant is not present in population databases (gnomAD no frequency). This variant has not been reported in the literature in individuals affected with CDH23-related conditions. Algorithms developed to predict the effect of missense changes on protein structure and function are either unavailable or do not agree on the potential impact of this missense change (SIFT: "Deleterious"; PolyPhen-2: "Not Available"; Align-GVGD: "Class C0"). In summary, the available evidence is currently insufficient to determine the role of this variant in disease. Therefore, it has been classified as a Variant of Uncertain Significance.